The following is an entry in ClinVar:

ClinVar aggregate classification (germline): Likely benign. Review status: criteria provided, multiple submitters, no conflicts (2 of 4 stars). 4 submissions from 4 submitters: Likely benign (3). 1 of the submissions does not count toward it. Last evaluated 2026-07-01.

Conditions:
Rubinstein-Taybi syndrome (RSTS). Identifiers: Orphanet 783, MedGen C0035934, MONDO:0019188.
CREBBP-related disorder. Also called: CREBBP-related disorders; CREBBP-related condition.

Allele frequency attached by ClinVar (database versions not stated): ExAC 0.00002; gnomAD exomes 0.00003 and 0.00004; gnomAD 0.00007; TOPMed 0.00008.
gnomAD v4.1: 75 of 1,613,924 alleles (0.0046%); highest among the groups gnomAD compares: Non-Finnish European, 0.006%; no homozygotes.

Submissions (4):

CeGaT Center for Human Genetics Tuebingen
Classification: Likely benign. Last evaluated: 2026-07-01. Review status: criteria provided, single submitter. Criteria: CeGaT Center For Human Genetics Tuebingen Variant Classification Criteria Version 2. Collection method: clinical testing. Allele origin: germline. Affected: yes. Observed: 2 variant alleles.
Comment: CREBBP: BP4

Labcorp Genetics (formerly Invitae), Labcorp
Classification: Likely benign for Rubinstein-Taybi syndrome. Last evaluated: 2024-04-17. Review status: criteria provided, single submitter. Criteria: Invitae Variant Classification Sherloc (09022015). Collection method: clinical testing. Allele origin: germline.

Blueprint Genetics
Classification: Likely benign. Last evaluated: 2023-06-30. Review status: criteria provided, single submitter. Criteria: ACMG Guidelines, 2015. Collection method: clinical testing. Allele origin: germline.

PreventionGenetics, part of Exact Sciences
Classification: Likely benign for CREBBP-related condition. Last evaluated: 2019-07-16. Review status: no assertion criteria provided. Collection method: clinical testing. Allele origin: germline. Not counted in ClinVar's aggregate classification.
Comment: This variant is classified as likely benign based on ACMG/AMP sequence variant interpretation guidelines (Richards et al. 2015 PMID: 25741868, with internal and published modifications).

NM_004380.3(CREBBP):c.7194A>G (p.Gly2398=)

Gene: CREBBP (CREB binding lysine acetyltransferase; minus strand). Cytogenetic location: 16p13.3.
Variant type: single nucleotide variant.
Coding change: c.7194A>G on transcript NM_004380.3 (MANE Select); coding-DNA position 7194, A replaced by G.
Protein change: p.Gly2398=; no amino-acid change (glycine 2398 retained).
Molecular consequence: synonymous variant.
Genome position (GRCh38, 1-based): chr16:3,727,853, T>C on the plus strand (A>G on the coding strand, the complement: CREBBP is on the minus strand). VCF-style: chr16-3727853-T-C. GRCh37 (hg19) VCF-style: chr16-3777854-T-C.
Other names: c.7080A>G, p.Gly2360= (NM_001079846.1).
Identifiers: ClinVar variation 778803 (VCV000778803.31), dbSNP rs773968231, ClinGen allele CA7868938.